The following is an entry in ClinVar:

NM_002335.4(LRP5):c.*5G>A

Gene: LRP5 (LDL receptor related protein 5; plus strand). Cytogenetic location: 11q13.2.
Variant type: single nucleotide variant.
Coding change: c.*5G>A on transcript NM_002335.4 (MANE Select); 5 bases downstream of the stop codon, G replaced by A.
Molecular consequence: 3 prime UTR variant.
Genome position (GRCh38, 1-based): chr11:68,449,075, G>A. VCF-style: chr11-68449075-G-A. GRCh37 (hg19) VCF-style: chr11-68216543-G-A.
Other names: c.*5G>A (NM_001291902.2).
Identifiers: ClinVar variation 4989091 (VCV004989091.1).
Genomic context (GRCh38, chr11:68,449,075, plus strand): 5'-GGAGCTACTTCCATCTCTTCCCGCCCCCTCCGTCCCCCTGCACGGACTCATCCTGACCTC[G>A]GCCGGGCCACTCTGGCTTCTCTGTGCCCCTGTAAATAGTTTTAAATATGAACAAAGAAAA-3'

ClinVar aggregate classification (germline): Likely benign (1 of 4 stars; one submission).

Conditions:
LRP5-related disorder. Also called: LRP5-related condition.

gnomAD v4.1: 170 of 1,533,632 alleles (0.011%); highest among the groups gnomAD compares: Non-Finnish European, 0.013%; no homozygotes.

Submission:

PreventionGenetics, part of Exact Sciences
Classification: Likely benign for LRP5-related condition. Last evaluated: 2025-02-10. Review status: criteria provided, single submitter. Criteria: ACMG Guidelines, 2015. Collection method: clinical testing. Allele origin: germline.
Comment: This variant is classified as likely benign based on ACMG/AMP sequence variant interpretation guidelines (Richards et al. 2015 PMID: 25741868, with internal and published modifications).